The following is an entry in ClinVar:

NM_001242896.3(DEPDC5):c.3392G>A (p.Gly1131Asp)

Gene: DEPDC5 (DEP domain containing 5, GATOR1 subcomplex subunit; plus strand). Cytogenetic location: 22q12.3.
Variant type: single nucleotide variant.
Coding change: c.3392G>A on transcript NM_001242896.3 (MANE Select); coding-DNA position 3392, G replaced by A.
Protein change: p.Gly1131Asp; replaces glycine 1131 with aspartic acid.
Molecular consequence: missense variant. On other transcripts: non-coding transcript variant (5).
Genome position (GRCh38, 1-based): chr22:31,870,651, G>A. VCF-style: chr22-31870651-G-A. GRCh37 (hg19) VCF-style: chr22-32266637-G-A.
Other names: c.3365G>A, p.Gly1122Asp (NM_001136029.4); c.3092G>A, p.Gly1031Asp (NM_001242897.2); c.3326G>A, p.Gly1109Asp (NM_001363852.2, NM_001364320.2); c.3158G>A, p.Gly1053Asp (NM_001363854.2, NM_001364319.2); c.3392G>A, p.Gly1131Asp (NM_001364318.2); c.3308G>A, p.Gly1103Asp (NM_001369901.1, NM_001369902.1); c.3299G>A, p.Gly1100Asp (NM_001369903.1, NM_014662.6); short protein forms G1031D, G1100D, G1103D, G1109D, G1131D, G1053D, G1122D.
Identifiers: ClinVar variation 2732868 (VCV002732868.3), dbSNP rs2522184484, ClinGen allele CA411296591.
Genomic context (GRCh38, chr22:31,870,651, plus strand): 5'-TATCTGTGGACCAAACAGCCACTCCTATGTTGGACGGCACCAGTTTGGGCATATGCACAG[G>A]CCAATCCATGGACAGAGGCAACAGCCAGACCTTTGGGAACTCCCAGAACATAGGAGAACA-3'
Protein context (NP_001229825.1, residues 1121-1141): LDGTSLGICT[Gly1131Asp]QSMDRGNSQT

ClinVar aggregate classification (germline): Uncertain significance (1 of 4 stars; one submission).

Conditions:
Familial focal epilepsy with variable foci (FPEVF). Identifiers: Orphanet 98820, MedGen C1858477, MONDO:0020310.

Submission:

Labcorp Genetics (formerly Invitae), Labcorp
Classification: Uncertain significance for Familial focal epilepsy with variable foci. Last evaluated: 2023-10-13. Review status: criteria provided, single submitter. Criteria: Invitae Variant Classification Sherloc (09022015). Collection method: clinical testing. Allele origin: germline.
Comment: This sequence change replaces glycine, which is neutral and non-polar, with aspartic acid, which is acidic and polar, at codon 1131 of the DEPDC5 protein (p.Gly1131Asp). This variant is not present in population databases (gnomAD no frequency). This variant has not been reported in the literature in individuals affected with DEPDC5-related conditions. Experimental studies and prediction algorithms are not available or were not evaluated, and the functional significance of this variant is currently unknown. In summary, the available evidence is currently insufficient to determine the role of this variant in disease. Therefore, it has been classified as a Variant of Uncertain Significance.